The following is an entry in ClinVar:

NM_001040108.2(MLH3):c.347C>G (p.Thr116Arg)

Gene: MLH3 (mutL homolog 3; minus strand). Cytogenetic location: 14q24.3.
Variant type: single nucleotide variant.
Coding change: c.347C>G on transcript NM_001040108.2 (MANE Select); coding-DNA position 347, C replaced by G.
Protein change: p.Thr116Arg; replaces threonine 116 with arginine.
Molecular consequence: missense variant.
Genome position (GRCh38, 1-based): chr14:75,049,309, G>C on the plus strand (C>G on the coding strand, the complement: MLH3 is on the minus strand). VCF-style: chr14-75049309-G-C. GRCh37 (hg19) VCF-style: chr14-75516012-G-C.
Other names: c.347C>G, p.Thr116Arg (NM_014381.3); short protein forms T116R.
Identifiers: ClinVar variation 1731826 (VCV001731826.3), dbSNP rs1892501882, ClinGen allele CA390450868.
Genomic context (GRCh38, chr14:75,049,309, plus strand): 5'-TCAGCTTCACAAGCTTTCAGGGCTTTTCCACTCTGAAACAGTTTCACAAAAGTTTTCATT[G>C]TCCTGTTTTTCTTGGACGAAATTTCCACAGCACTGGCCATGTCAGCAATATTTGCCAAGG-3'
Protein context (NP_001035197.1, residues 106-126): AVEISSKKNR[Thr116Arg]MKTFVKLFQS

ClinVar aggregate classification (germline): Uncertain significance (1 of 4 stars; one submission).

Allele frequency attached by ClinVar (database versions not stated): TOPMed below 0.00001.

Submission:

Ambry Genetics
Classification: Uncertain significance. Last evaluated: 2025-09-23. Review status: criteria provided, single submitter. Criteria: Ambry Variant Classification Scheme 2023. Collection method: clinical testing. Allele origin: germline.
Comment: The p.T116R variant (also known as c.347C>G), located in coding exon 1 of the MLH3 gene, results from a C to G substitution at nucleotide position 347. The threonine at codon 116 is replaced by arginine, an amino acid with similar properties. This amino acid position is not well conserved in available vertebrate species. In addition, the in silico prediction for this alteration is inconclusive. The evidence for this gene-disease relationship is limited; therefore, the clinical significance of this alteration is unclear.